The following is an entry in ClinVar:

ClinVar aggregate classification (germline): Uncertain significance (1 of 4 stars; one submission).

Conditions:
Ichthyosis linearis circumflexa. Identifiers: MedGen C0265962, MONDO:0043106, HP:0025810.

Submission:

Labcorp Genetics (formerly Invitae), Labcorp
Classification: Uncertain significance for Ichthyosis linearis circumflexa. Last evaluated: 2021-06-19. Review status: criteria provided, single submitter. Criteria: Invitae Variant Classification Sherloc (09022015). Collection method: clinical testing. Allele origin: germline.
Comment: This variant has not been reported in the literature in individuals with SPINK5-related conditions. In summary, the available evidence is currently insufficient to determine the role of this variant in disease. Therefore, it has been classified as a Variant of Uncertain Significance. Experimental studies and prediction algorithms are not available or were not evaluated, and the functional significance of this variant is currently unknown. This variant is a gross deletion of the genomic region encompassing exon(s) 30-31 of the SPINK5 gene. This variant would be expected to be in-frame, preserving the integrity of the reading frame.

NC_000005.9:g.(?_147506526)_(147510972_?)del

Gene: SPINK5 (serine peptidase inhibitor Kazal type 5; plus strand). Cytogenetic location: 5q32.
Variant type: Deletion.
Identifiers: ClinVar variation 1444233 (VCV001444233.7).